The following is an entry in ClinVar:

ClinVar aggregate classification (germline): Uncertain significance (1 of 4 stars; one submission).

gnomAD v4.1: 3 of 1,611,668 alleles (0.00019%); highest among the groups gnomAD compares: Non-Finnish European, 0.00025%; no homozygotes.

Submission:

CeGaT Center for Human Genetics Tuebingen
Classification: Uncertain significance. Last evaluated: 2026-03-01. Review status: criteria provided, single submitter. Criteria: CeGaT Center For Human Genetics Tuebingen Variant Classification Criteria Version 2. Collection method: clinical testing. Allele origin: germline. Affected: yes. Observed: 1 variant allele.
Comment: PLEC: PM2, BP4

NM_201384.3(PLEC):c.918G>T (p.Arg306Ser)

Gene: PLEC (plectin; minus strand). Cytogenetic location: 8q24.3.
Variant type: single nucleotide variant.
Coding change: c.918G>T on transcript NM_201384.3 (MANE Select); coding-DNA position 918, G replaced by T.
Protein change: p.Arg306Ser; replaces arginine 306 with serine.
Molecular consequence: missense variant.
Genome position (GRCh38, 1-based): chr8:143,934,837, C>A on the plus strand (G>T on the coding strand, the complement: PLEC is on the minus strand). VCF-style: chr8-143934837-C-A. GRCh37 (hg19) VCF-style: chr8-145009005-C-A.
Other names: c.930G>T, p.Arg310Ser (NM_201383.3); c.999G>T, p.Arg333Ser (NM_000445.5, NM_001410941.1); c.876G>T, p.Arg292Ser (NM_201378.4); c.852G>T, p.Arg284Ser (NM_201379.3); c.1329G>T, p.Arg443Ser (NM_201380.4); c.822G>T, p.Arg274Ser (NM_201381.3); c.918G>T, p.Arg306Ser (NM_201382.4); short protein forms R274S, R284S, R292S, R306S, R310S, R333S, R443S.
Identifiers: ClinVar variation 4820833 (VCV004820833.4).